The following is an entry in ClinVar:

ClinVar aggregate classification (germline): Conflicting classifications of pathogenicity. Review status: criteria provided, conflicting classifications (1 of 4 stars). 2 submissions from 2 submitters: Uncertain significance (1); Likely benign (1). Last evaluated 2023-03-23.

Conditions:
Hereditary cancer-predisposing syndrome. Also called: Hereditary Cancer Syndrome; Hereditary neoplastic syndrome; Neoplastic Syndromes, Hereditary; Tumor predisposition. Identifiers: Orphanet 140162, MedGen C0027672, MeSH D009386, MONDO:0015356.

Submissions (2):

University of Washington Department of Laboratory Medicine, University of Washington
Classification: Likely benign for Hereditary cancer-predisposing syndrome. Last evaluated: 2023-03-23. Review status: criteria provided, single submitter. Criteria: Dines et al. (Genet Med. 2020). Collection method: curation. Allele origin: germline.
Comment: Missense variant in a coldspot region where missense variants are very unlikely to be pathogenic (PMID:31911673).

BRCA2 exon 11 coldspot. Reclassification based on statistical prior probability.

Ambry Genetics
Classification: Uncertain significance for Hereditary cancer-predisposing syndrome. Last evaluated: 2021-03-11. Review status: criteria provided, single submitter. Criteria: Ambry Variant Classification Scheme 2023. Collection method: clinical testing. Allele origin: germline.
Comment: The p.A1431P variant (also known as c.4291G>C), located in coding exon 10 of the BRCA2 gene, results from a G to C substitution at nucleotide position 4291. The alanine at codon 1431 is replaced by proline, an amino acid with highly similar properties. This amino acid position is well conserved in available vertebrate species. In addition, this alteration is predicted to be deleterious by in silico analysis. Since supporting evidence is limited at this time, the clinical significance of this alteration remains unclear.

NM_000059.4(BRCA2):c.4291G>C (p.Ala1431Pro)

Gene: BRCA2 (BRCA2 DNA repair associated; plus strand). Cytogenetic location: 13q13.1.
Variant type: single nucleotide variant.
Coding change: c.4291G>C on transcript NM_000059.4 (MANE Select); coding-DNA position 4291, G replaced by C.
Protein change: p.Ala1431Pro; replaces alanine 1431 with proline.
Molecular consequence: missense variant.
Genome position (GRCh38, 1-based): chr13:32,338,646, G>C. VCF-style: chr13-32338646-G-C. GRCh37 (hg19) VCF-style: chr13-32912783-G-C.
Other names: c.4291G>C, p.Ala1431Pro (NM_001406719.1, NM_001406720.1); short protein forms A1431P.
Identifiers: ClinVar variation 1739446 (VCV001739446.4), dbSNP rs2137504870, ClinGen allele CA387780659.